The following is an entry in ClinVar:

ClinVar aggregate classification (germline): Uncertain significance (1 of 4 stars; one submission).

Submission:

CeGaT Center for Human Genetics Tuebingen
Classification: Uncertain significance. Last evaluated: 2022-05-01. Review status: criteria provided, single submitter. Criteria: CeGaT Center For Human Genetics Tuebingen Variant Classification Criteria Version 2. Collection method: clinical testing. Allele origin: germline. Affected: yes. Observed: 1 variant allele.
Comment: PAK3: PM2, BP4

NM_002578.5(PAK3):c.277-4A>G

Gene: PAK3 (p21 (RAC1) activated kinase 3; plus strand). Cytogenetic location: Xq23.
Variant type: single nucleotide variant.
Coding change: c.277-4A>G on transcript NM_002578.5 (MANE Select); 4 bases into the intron before coding-DNA position 277, A replaced by G.
Molecular consequence: intron variant.
Genome position (GRCh38, 1-based): chrX:111,147,733, A>G. VCF-style: chrX-111147733-A-G. GRCh37 (hg19) VCF-style: chrX-110390961-A-G.
Other names: c.277-4A>G (NM_001128166.3, NM_001324325.2, NM_001324330.2 and 5 more transcripts); c.385-4A>G (NM_001128168.3); c.322-4A>G (NM_001128173.3, NM_001324329.2, NM_001324327.2 and 2 more transcripts); c.340-4A>G (NM_001128172.2).
Identifiers: ClinVar variation 1695312 (VCV001695312.31), dbSNP rs2149114077, ClinGen allele CA2580100198.